The following is an entry in ClinVar:

NM_017739.4(POMGNT1):c.1561A>G (p.Lys521Glu)

Genes: POMGNT1 (protein O-linked mannose N-acetylglucosaminyltransferase 1 (beta 1,2-); minus strand), TSPAN1 (tetraspanin 1; plus strand). Cytogenetic location: 1p34.1.
Variant type: single nucleotide variant.
Coding change: c.1561A>G on transcript NM_017739.4 (MANE Select); coding-DNA position 1561, A replaced by G.
Protein change: p.Lys521Glu; replaces lysine 521 with glutamic acid.
Molecular consequence: missense variant.
Genome position (GRCh38, 1-based): chr1:46,190,763, T>C on the plus strand (A>G on the coding strand, the complement: POMGNT1 is on the minus strand). VCF-style: chr1-46190763-T-C. GRCh37 (hg19) VCF-style: chr1-46656435-T-C.
Other names: c.1561A>G, p.Lys521Glu (NM_001243766.2, NM_001410783.1); c.1495A>G, p.Lys499Glu (NM_001290129.3); c.1132A>G, p.Lys378Glu (NM_001290130.2); short protein forms K499E, K521E, K378E.
Identifiers: ClinVar variation 658465 (VCV000658465.12), dbSNP rs764394085, ClinGen allele CA833315.

ClinVar aggregate classification (germline): Uncertain significance. Review status: criteria provided, multiple submitters, no conflicts (2 of 4 stars). 6 submissions from 6 submitters: Uncertain significance (4). 2 of the submissions do not count toward it. Last evaluated 2024-09-18.

Conditions:
Autosomal recessive limb-girdle muscular dystrophy type 2O. Also called: Limb-Girdle Muscular Dystrophy Type 3C; MUSCULAR DYSTROPHY-DYSTROGLYCANOPATHY, LIMB-GIRDLE, POMGNT1-RELATED; MUSCULAR DYSTROPHY-DYSTROGLYCANOPATHY (LIMB-GIRDLE), TYPE C, 3. Identifiers: Orphanet 206564, MedGen C3150417, MONDO:0013161, OMIM 613157.
Muscular dystrophy-dystroglycanopathy (congenital with impaired intellectual development), type B, 3. Also called: Muscular dystrophy-dystroglycanopathy (congenital with intellectual disability), type B3; MUSCULAR DYSTROPHY, CONGENITAL, POMGNT1-RELATED. Identifiers: MedGen C3150412, MONDO:0013155, OMIM 613151.
Muscle eye brain disease (MEB). Also called: Santavuori congenital muscular dystrophy. Identifiers: Orphanet 588, Orphanet 899, MedGen C0457133, MONDO:0018939.
Inborn genetic diseases. Identifiers: MedGen C0950123, MeSH D030342.
Retinal dystrophy. Also called: Inherited retinal dystrophy. Identifiers: Orphanet 71862, MedGen C0854723, MeSH D058499, MONDO:0019118, HP:0000556.

Allele frequency attached by ClinVar (database versions not stated): TOPMed 0.00005; gnomAD exomes 0.00001 and 0.00003; gnomAD 0.00001 and 0.00002; ExAC 0.00002.
gnomAD v4.1: 20 of 1,613,822 alleles (0.0012%); highest among the groups gnomAD compares: Middle Eastern, 0.016%; no homozygotes.

Submissions (6):

Ambry Genetics
Classification: Uncertain significance for Inborn genetic diseases. Last evaluated: 2024-09-18. Review status: criteria provided, single submitter. Criteria: Ambry Variant Classification Scheme 2023. Collection method: clinical testing. Allele origin: germline.

Labcorp Genetics (formerly Invitae), Labcorp
Classification: Uncertain significance for Autosomal recessive limb-girdle muscular dystrophy type 2O; Muscular dystrophy-dystroglycanopathy (congenital with impaired intellectual development), type B, 3. Last evaluated: 2024-08-12. Review status: criteria provided, single submitter. Criteria: Invitae Variant Classification Sherloc (09022015). Collection method: clinical testing. Allele origin: germline.
Comment: This sequence change replaces lysine, which is basic and polar, with glutamic acid, which is acidic and polar, at codon 521 of the POMGNT1 protein (p.Lys521Glu). This variant is present in population databases (rs764394085, gnomAD 0.01%). This missense change has been observed in individual(s) with clinical features of POMGNT1-related conditions (Invitae). ClinVar contains an entry for this variant (Variation ID: 658465). Advanced modeling of protein sequence and biophysical properties (such as structural, functional, and spatial information, amino acid conservation, physicochemical variation, residue mobility, and thermodynamic stability) has been performed at Invitae for this missense variant, however the output from this modeling did not meet the statistical confidence thresholds required to predict the impact of this variant on POMGNT1 protein function. In summary, the available evidence is currently insufficient to determine the role of this variant in disease. Therefore, it has been classified as a Variant of Uncertain Significance.

GeneDx
Classification: Uncertain significance. Last evaluated: 2024-05-05. Review status: criteria provided, single submitter. Criteria: GeneDx Variant Classification Process June 2021. Collection method: clinical testing. Allele origin: germline. Affected: yes.
Comment: Not observed at significant frequency in large population cohorts (gnomAD); In silico analysis indicates that this missense variant does not alter protein structure/function; Has not been previously published as pathogenic or benign to our knowledge; This variant is associated with the following publications: (PMID: 24282183)

Revvity Omics, Revvity
Classification: Uncertain significance. Last evaluated: 2019-06-26. Review status: criteria provided, single submitter. Criteria: ACMG Guidelines, 2015. Collection method: clinical testing. Allele origin: germline.

Natera, Inc.
Classification: Uncertain significance for Muscle-eye-brain disease. Last evaluated: 2020-09-16. Review status: no assertion criteria provided. Collection method: clinical testing. Allele origin: germline. Not counted in ClinVar's aggregate classification.

Institute of Human Genetics, Univ. Regensburg, Univ. Regensburg
Classification: Uncertain significance for Retinal dystrophy. Last evaluated: 2017-01-01. Review status: no assertion criteria provided. Criteria: ACMG Guidelines, 2015. Collection method: clinical testing. Allele origin: germline. Affected: yes. Not counted in ClinVar's aggregate classification.